The following is an entry in ClinVar:

ClinVar aggregate classification (germline): Conflicting classifications of pathogenicity. Review status: criteria provided, conflicting classifications (1 of 4 stars). 4 submissions from 4 submitters: Uncertain significance (3); Likely benign (1). Last evaluated 2026-05-01.

Conditions:
Multiple congenital anomalies-hypotonia-seizures syndrome 1 (MCAHS1). Also called: PIGN-CDG; Congenital disorder of glycosylation due to PIGN deficiency; GLYCOSYLPHOSPHATIDYLINOSITOL BIOSYNTHESIS DEFECT 3. Identifiers: Orphanet 280633, MedGen C3279775, MONDO:0013563, OMIM 614080.

Allele frequency attached by ClinVar (database versions not stated): gnomAD 0.00018 and 0.00017; gnomAD exomes 0.00018 and 0.00015; ESP Exome Variant Server 0.00041; TOPMed 0.00010.
gnomAD v4.1: 292 of 1,611,986 alleles (0.018%); highest among the groups gnomAD compares: Non-Finnish European, 0.023%; no homozygotes.

Submissions (4):

CeGaT Center for Human Genetics Tuebingen
Classification: Likely benign. Last evaluated: 2026-05-01. Review status: criteria provided, single submitter. Criteria: CeGaT Center For Human Genetics Tuebingen Variant Classification Criteria Version 2. Collection method: clinical testing. Allele origin: germline. Affected: yes. Observed: 2 variant alleles.
Comment: PIGN: BP4

GeneDx
Classification: Uncertain significance. Last evaluated: 2025-07-22. Review status: criteria provided, single submitter. Criteria: GeneDx Variant Classification Process June 2021. Collection method: clinical testing. Allele origin: germline. Affected: yes.
Comment: Has not been previously published as pathogenic or benign to our knowledge; In silico analysis suggests that this missense variant does not alter protein structure/function

Blueprint Genetics
Classification: Uncertain significance. Last evaluated: 2024-11-21. Review status: criteria provided, single submitter. Criteria: ACMG Guidelines, 2015. Collection method: clinical testing. Allele origin: germline.

Labcorp Genetics (formerly Invitae), Labcorp
Classification: Uncertain significance for Multiple congenital anomalies-hypotonia-seizures syndrome 1. Last evaluated: 2022-10-25. Review status: criteria provided, single submitter. Criteria: Invitae Variant Classification Sherloc (09022015). Collection method: clinical testing. Allele origin: germline.
Comment: This sequence change replaces isoleucine, which is neutral and non-polar, with valine, which is neutral and non-polar, at codon 85 of the PIGN protein (p.Ile85Val). This variant is present in population databases (rs202066215, gnomAD 0.04%). This variant has not been reported in the literature in individuals affected with PIGN-related conditions. ClinVar contains an entry for this variant (Variation ID: 539545). Advanced modeling of protein sequence and biophysical properties (such as structural, functional, and spatial information, amino acid conservation, physicochemical variation, residue mobility, and thermodynamic stability) performed at Invitae indicates that this missense variant is not expected to disrupt PIGN protein function. In summary, the available evidence is currently insufficient to determine the role of this variant in disease. Therefore, it has been classified as a Variant of Uncertain Significance.

NM_176787.5(PIGN):c.253A>G (p.Ile85Val)

Gene: PIGN (phosphatidylinositol glycan anchor biosynthesis class N; minus strand). Cytogenetic location: 18q21.33.
Variant type: single nucleotide variant.
Coding change: c.253A>G on transcript NM_176787.5 (MANE Select); coding-DNA position 253, A replaced by G.
Protein change: p.Ile85Val; replaces isoleucine 85 with valine.
Molecular consequence: missense variant.
Genome position (GRCh38, 1-based): chr18:62,157,777, T>C on the plus strand (A>G on the coding strand, the complement: PIGN is on the minus strand). VCF-style: chr18-62157777-T-C. GRCh37 (hg19) VCF-style: chr18-59825010-T-C.
Other names: c.253A>G, p.Ile85Val (NM_012327.6); short protein forms I85V.
Identifiers: ClinVar variation 539545 (VCV000539545.35), dbSNP rs202066215, ClinGen allele CA8982624.